The following is an entry in ClinVar:

NM_194454.3(KRIT1):c.935_954del (p.Arg311_Phe312insTer)

Gene: KRIT1 (KRIT1 ankyrin repeat containing; minus strand). Cytogenetic location: 7q21.2.
Variant type: Deletion.
Coding change: c.935_954del on transcript NM_194454.3 (MANE Select); coding-DNA positions 935 to 954, 20 bases deleted (TTTCAGTCAACCAGTTAGAT).
Protein change: p.Arg311_Phe312insTer.
Molecular consequence: nonsense. On other transcripts: intron variant (3).
Genome position (GRCh38, 1-based): chr7:92,234,484-92,234,503, ATCTAACTGGTTGACTGAAA deleted on the plus strand (TTTCAGTCAACCAGTTAGAT on the coding strand, the reverse complement: KRIT1 is on the minus strand); deleting any 20 consecutive bases within chr7:92,234,484-92,234,507 gives the same sequence; the c. name uses the placement nearest the transcript's 3' end. VCF-style (leftmost placement, unchanged base first): chr7-92234483-TATCTAACTGGTTGACTGAAA-T. GRCh37 (hg19) VCF-style: chr7-91863797-TATCTAACTGGTTGACTGAAA-T.
Other names: c.221_240del, p.Arg73_Phe74insTer (NM_001350671.1); c.935_954del, p.Arg311_Phe312insTer (NM_001350672.1, NM_001350673.1, NM_001350674.1 and 26 more transcripts); c.845+305_845+324del (NM_001350669.1, NM_001013406.2, NM_001350670.1).
Identifiers: ClinVar variation 2709039 (VCV002709039.3), dbSNP rs2536003869, ClinGen allele CA2697557372.

ClinVar aggregate classification (germline): Pathogenic (1 of 4 stars; one submission).

Conditions:
Cerebral cavernous malformation (CCM). Also called: Cavernous Hemangioma of Brain; CAVERNOUS ANGIOMA, FAMILIAL; CAVERNOUS ANGIOMATOUS MALFORMATIONS; CEREBRAL CAPILLARY MALFORMATIONS; Cerebral cavernous hemangioma (type); Cerebral cavernous malformations. Identifiers: Orphanet 221061, MedGen C2919945, MONDO:0000820, OMIM 116860, HP:0033522.

Submission:

Labcorp Genetics (formerly Invitae), Labcorp
Classification: Pathogenic for Cerebral cavernous malformation. Last evaluated: 2024-01-11. Review status: criteria provided, single submitter. Criteria: Invitae Variant Classification Sherloc (09022015). Collection method: clinical testing. Allele origin: germline.
Comment: This sequence change creates a premature translational stop signal (p.Phe312*) in the KRIT1 gene. It is expected to result in an absent or disrupted protein product. Loss-of-function variants in KRIT1 are known to be pathogenic (PMID: 10508515, 11222804, 12404106, 24689081). This variant is not present in population databases (gnomAD no frequency). This variant has not been reported in the literature in individuals affected with KRIT1-related conditions. For these reasons, this variant has been classified as Pathogenic.

Literature cited by the submitters: PubMed 10508515; PubMed 11222804; PubMed 12404106; PubMed 24689081.